The following is an entry in ClinVar:

ClinVar aggregate classification (germline): Uncertain significance (1 of 4 stars; one submission).

gnomAD v4.1: 15 of 1,593,226 alleles (0.00094%); highest among the groups gnomAD compares: African/African-American, 0.0013%; no homozygotes.

Submission:

Labcorp Genetics (formerly Invitae), Labcorp
Classification: Uncertain significance. Last evaluated: 2024-07-05. Review status: criteria provided, single submitter. Criteria: Invitae Variant Classification Sherloc (09022015). Collection method: clinical testing. Allele origin: germline.
Comment: This sequence change replaces glutamic acid, which is acidic and polar, with lysine, which is basic and polar, at codon 1010 of the DGKZ protein (p.Glu1010Lys). The frequency data for this variant in the population databases is considered unreliable, as metrics indicate poor data quality at this position in the gnomAD database. This variant has not been reported in the literature in individuals affected with DGKZ-related conditions. An algorithm developed to predict the effect of missense changes on protein structure and function (PolyPhen-2) suggests that this variant is likely to be tolerated. In summary, the available evidence is currently insufficient to determine the role of this variant in disease. Therefore, it has been classified as a Variant of Uncertain Significance.

NM_001199267.2(DGKZ):c.2461G>A (p.Glu821Lys)

Gene: DGKZ (diacylglycerol kinase zeta; plus strand). Cytogenetic location: 11p11.2.
Variant type: single nucleotide variant.
Coding change: c.2461G>A on transcript NM_001199267.2 (MANE Select); coding-DNA position 2461, G replaced by A.
Protein change: p.Glu821Lys; replaces glutamic acid 821 with lysine.
Molecular consequence: missense variant.
Genome position (GRCh38, 1-based): chr11:46,379,036, G>A. VCF-style: chr11-46379036-G-A. GRCh37 (hg19) VCF-style: chr11-46400586-G-A.
Other names: c.3028G>A, p.Glu1010Lys (NM_001105540.2); c.2464G>A, p.Glu822Lys (NM_001199266.2, NM_003646.4); c.2395G>A, p.Glu799Lys (NM_001199268.2); c.2512G>A, p.Glu838Lys (NM_201532.3); c.2476G>A, p.Glu826Lys (NM_201533.3); short protein forms E821K, E799K, E1010K, E822K, E826K, E838K.
Identifiers: ClinVar variation 3714399 (VCV003714399.2).
Genomic context (GRCh38, chr11:46,379,036, plus strand): 5'-GCCTCCTGCCCTCAGCTCCAGGAGCTGCACCGAGCTGGGGGCGACCTCATGCACCGAGAC[G>A]AGCAGAGTCGCACGCTCCTGCACCACGCAGTCAGCACTGGCAGCAAGGATGTGGTCCGCT-3'
Protein context (NP_001186196.1, residues 811-831): RAGGDLMHRD[Glu821Lys]QSRTLLHHAV